The following is an entry in ClinVar:

ClinVar aggregate classification (germline): Uncertain significance (1 of 4 stars; one submission).

Conditions:
Macrocephaly-developmental delay syndrome (MRT41). Also called: INTELLECTUAL DEVELOPMENTAL DISORDER, AUTOSOMAL RECESSIVE 41. Identifiers: Orphanet 397612, MedGen C3810225, MONDO:0014289, OMIM 615637.

Allele frequency attached by ClinVar (database versions not stated): gnomAD exomes below 0.00001 and 0.00002.

Submission:

Labcorp Genetics (formerly Invitae), Labcorp
Classification: Uncertain significance for Macrocephaly-developmental delay syndrome. Last evaluated: 2021-04-19. Review status: criteria provided, single submitter. Criteria: Invitae Variant Classification Sherloc (09022015). Collection method: clinical testing. Allele origin: germline.
Comment: Algorithms developed to predict the effect of missense changes on protein structure and function are either unavailable or do not agree on the potential impact of this missense change (SIFT: "Deleterious"; PolyPhen-2: "Benign"; Align-GVGD: "Class C0"). This variant has not been reported in the literature in individuals with KPTN-related conditions. This variant is not present in population databases (ExAC no frequency). This sequence change replaces alanine with serine at codon 66 of the KPTN protein (p.Ala66Ser). The alanine residue is moderately conserved and there is a moderate physicochemical difference between alanine and serine. In summary, the available evidence is currently insufficient to determine the role of this variant in disease. Therefore, it has been classified as a Variant of Uncertain Significance.

NM_007059.4(KPTN):c.196G>T (p.Ala66Ser)

Gene: KPTN (kaptin, actin binding protein; minus strand). Cytogenetic location: 19q13.32.
Variant type: single nucleotide variant.
Coding change: c.196G>T on transcript NM_007059.4 (MANE Select); coding-DNA position 196, G replaced by T.
Protein change: p.Ala66Ser; replaces alanine 66 with serine.
Molecular consequence: missense variant. On other transcripts: non-coding transcript variant (1).
Genome position (GRCh38, 1-based): chr19:47,483,965, C>A on the plus strand (G>T on the coding strand, the complement: KPTN is on the minus strand). VCF-style: chr19-47483965-C-A. GRCh37 (hg19) VCF-style: chr19-47987222-C-A.
Other names: c.196G>T, p.Ala66Ser (NM_001291296.2); short protein forms A66S.
Identifiers: ClinVar variation 1388922 (VCV001388922.8), dbSNP rs964216382, ClinGen allele CA309197428.